The following is an entry in ClinVar:

NM_001368397.1(FRMPD4):c.3794C>A (p.Ala1265Asp)

Gene: FRMPD4 (FERM and PDZ domain containing 4; plus strand). Cytogenetic location: Xp22.2.
Variant type: single nucleotide variant.
Coding change: c.3794C>A on transcript NM_001368397.1 (MANE Select); coding-DNA position 3794, C replaced by A.
Protein change: p.Ala1265Asp; replaces alanine 1265 with aspartic acid.
Molecular consequence: missense variant.
Genome position (GRCh38, 1-based): chrX:12,718,620, C>A. VCF-style: chrX-12718620-C-A. GRCh37 (hg19) VCF-style: chrX-12736739-C-A.
Other names: c.3905C>A, p.Ala1302Asp (NM_001368395.3, NM_001368398.3); c.3800C>A, p.Ala1267Asp (NM_001368396.3); c.3785C>A, p.Ala1262Asp (NM_001368399.3); c.3674C>A, p.Ala1225Asp (NM_001368400.3); c.3770C>A, p.Ala1257Asp (NM_001368401.1, NM_001368402.3); c.3794C>A, p.Ala1265Asp (NM_014728.3); short protein forms A1225D, A1257D, A1262D, A1265D, A1267D, A1302D.
Identifiers: ClinVar variation 3370645 (VCV003370645.2).

ClinVar aggregate classification (germline): Uncertain significance (1 of 4 stars; one submission).

Submission:

GeneDx
Classification: Uncertain significance. Last evaluated: 2025-03-26. Review status: criteria provided, single submitter. Criteria: GeneDx Variant Classification Process June 2021. Collection method: clinical testing. Allele origin: germline. Affected: yes.
Comment: Not observed at significant frequency in large population cohorts (gnomAD); In silico analysis indicates that this missense variant does not alter protein structure/function; Has not been previously published as pathogenic or benign to our knowledge